The following is an entry in ClinVar:

NM_001040108.2(MLH3):c.2126T>C (p.Ile709Thr)

Gene: MLH3 (mutL homolog 3; minus strand). Cytogenetic location: 14q24.3.
Variant type: single nucleotide variant.
Coding change: c.2126T>C on transcript NM_001040108.2 (MANE Select); coding-DNA position 2126, T replaced by C.
Protein change: p.Ile709Thr; replaces isoleucine 709 with threonine.
Molecular consequence: missense variant.
Genome position (GRCh38, 1-based): chr14:75,047,530, A>G on the plus strand (T>C on the coding strand, the complement: MLH3 is on the minus strand). VCF-style: chr14-75047530-A-G. GRCh37 (hg19) VCF-style: chr14-75514233-A-G.
Other names: c.2126T>C, p.Ile709Thr (NM_014381.3); short protein forms I709T.
Identifiers: ClinVar variation 424101 (VCV000424101.17), dbSNP rs750178172, ClinGen allele CA7275757.

ClinVar aggregate classification (germline): Uncertain significance. Review status: criteria provided, multiple submitters, no conflicts (2 of 4 stars). 3 submissions from 3 submitters: Uncertain significance (3). Last evaluated 2025-11-03.

Conditions:
Colorectal cancer, hereditary nonpolyposis, type 7. Identifiers: Orphanet 144, MedGen C1858380, MONDO:0013725, OMIM 614385.

Allele frequency attached by ClinVar (database versions not stated): ExAC 0.00001; TOPMed 0.00003; gnomAD 0.00004.
gnomAD v4.1: 80 of 1,613,926 alleles (0.005%); highest among the groups gnomAD compares: Non-Finnish European, 0.0063%; no homozygotes.

Submissions (3):

Ambry Genetics
Classification: Uncertain significance. Last evaluated: 2025-11-03. Review status: criteria provided, single submitter. Criteria: Ambry Variant Classification Scheme 2023. Collection method: clinical testing. Allele origin: germline.

Labcorp Genetics (formerly Invitae), Labcorp
Classification: Uncertain significance for Colorectal cancer, hereditary nonpolyposis, type 7. Last evaluated: 2025-09-30. Review status: criteria provided, single submitter. Criteria: Invitae Variant Classification Sherloc (09022015). Collection method: clinical testing. Allele origin: germline.
Comment: This sequence change replaces isoleucine, which is neutral and non-polar, with threonine, which is neutral and polar, at codon 709 of the MLH3 protein (p.Ile709Thr). The frequency data for this variant in the population databases is considered unreliable, as metrics indicate poor data quality at this position in the gnomAD database. This variant has not been reported in the literature in individuals affected with MLH3-related conditions. ClinVar contains an entry for this variant (Variation ID: 424101). An algorithm developed to predict the effect of missense changes on protein structure and function (PolyPhen-2) suggests that this variant is likely to be tolerated. In summary, the available evidence is currently insufficient to determine the role of this variant in disease. Therefore, it has been classified as a Variant of Uncertain Significance.

GeneDx
Classification: Uncertain significance. Last evaluated: 2017-03-06. Review status: criteria provided, single submitter. Criteria: GeneDx Variant Classification (06012015). Collection method: clinical testing. Allele origin: germline. Affected: yes.
Comment: The I709T variant in the MLH3 gene has not been reported previously as a pathogenic variant, nor as a benign variant, to our knowledge. The I709T variant is not observed at a significant frequency in large population cohorts (Lek et al., 2016; 1000 Genomes Consortium et al., 2015; Exome Variant Server). The I709T variant is a non-conservative amino acid substitution, which is likely to impact secondary protein structure as these residues differ in polarity, charge, size and/or other properties. This substitution occurs at a position where amino acids with similar properties to Isoleucine are tolerated across species. In silico analysis predicts this variant likely does not alter the protein structure/function. We interpret I709T as a variant of uncertain significance.